The following is an entry in ClinVar:

ClinVar aggregate classification (germline): Pathogenic/Likely pathogenic. Review status: criteria provided, multiple submitters, no conflicts (2 of 4 stars). 9 submissions from 9 submitters: Pathogenic (6); Likely pathogenic (2). 1 of the submissions does not count toward it. Last evaluated 2024-04-30.

Conditions:
TP63-related disorder. Also called: TP63-related condition; TP63-Related Disorders. Identifiers: MedGen CN380159.
Premature ovarian failure 21 (POF21). Identifiers: MedGen C5830399, MONDO:0957216, OMIM 620311.
Rapp-Hodgkin syndrome (RHS). Also called: ECTODERMAL DYSPLASIA, ANHIDROTIC, WITH CLEFT LIP/PALATE; Isolated Cleft Lip/Cleft Palate (Orofacial Cleft 8); Rapp-Hodgkin ectodermal dysplasia syndrome. Identifiers: MedGen C1785148, MONDO:0007508, OMIM 129400.
Ectrodactyly, ectodermal dysplasia, and cleft lip-palate syndrome 3. Also called: Ectrodactyly, Ectodermal Dysplasia, Clefting Syndrome; EEC SYNDROME 3; Ectrodactyly, Ectodermal Dysplasia, Clefting Syndrome Type 3 (EEC3); Ectrodactyly, Ectodermal Dysplasia, Cleft Lip/Palate Syndrome 3 (EEC3). Identifiers: Orphanet 1896, MedGen C1858562, MONDO:0011428, OMIM 604292.
Ankyloblepharon-ectodermal defects-cleft lip/palate syndrome. Also called: Hay-Wells syndrome of ectodermal dysplasia; AEC SYNDROME; Ankyloblepharon-ectodermal defects, cleft lip/palate; HAY-WELLS SYNDROME; Ankyloblepharon-Ectodermal Defects-Cleft Lip/Palate Syndrome (AEC Syndrome). Identifiers: Orphanet 1071, MedGen C0406709, MONDO:0007124, OMIM 106260.
Orofacial cleft 8. Also called: Cleft lip with or without cleft palate, nonsyndromic, 8. Identifiers: MedGen C1851878, MONDO:0029145, OMIM 618149.
Split hand-foot malformation 4. Also called: Split-Hand/Foot Malformation Type 4 (SHFM4 syndrome); Split-Hand/Foot Malformation Type 4 (SHFM4). Identifiers: Orphanet 2440, MedGen C1854442, MONDO:0011535, OMIM 605289.
Limb-mammary syndrome (LMS). Also called: Mammary hypoplasia, ectrodactyly, and other hand/foot anomalies. Identifiers: Orphanet 69085, MedGen C1863753, MONDO:0011334, OMIM 603543.
ADULT syndrome. Also called: ACRO-DERMATO-UNGUAL-LACRIMAL-TOOTH SYNDROME; Acro-dermato-ungual-lacrimal-tooth (adult) syndrome; Acro-Dermo-Ungual-Lacrimal-Tooth Syndrome (ADULT Syndrome). Identifiers: Orphanet 978, MedGen C1863204, MONDO:0007072, OMIM 103285.
TP63-Related Spectrum Disorders.
Inborn genetic diseases. Identifiers: MedGen C0950123, MeSH D030342.

Allele frequency attached by ClinVar (database versions not stated): gnomAD exomes below 0.00001.
gnomAD v4.1: 1 of 1,614,086 alleles (0.000062%); highest among the groups gnomAD compares: Non-Finnish European, 0.000085%; no homozygotes.

Submissions (9):

Blueprint Genetics
Classification: Pathogenic for TP63-related disorders. Last evaluated: 2024-04-30. Review status: criteria provided, single submitter. Criteria: ACMG Guidelines, 2015. Collection method: clinical testing. Allele origin: germline. Affected: yes. Observed: 2 variant alleles.

Fulgent Genetics
Classification: Pathogenic for ADULT syndrome; Ankyloblepharon-ectodermal defects-cleft lip/palate syndrome; Rapp-Hodgkin syndrome; Limb-mammary syndrome; Ectrodactyly, ectodermal dysplasia, and cleft lip-palate syndrome 3; Split hand-foot malformation 4; Orofacial cleft 8; Premature ovarian failure 21. Last evaluated: 2024-03-11. Review status: criteria provided, single submitter. Criteria: ACMG Guidelines, 2015. Collection method: clinical testing. Allele origin: germline.

Labcorp Genetics (formerly Invitae), Labcorp
Classification: Pathogenic. Last evaluated: 2023-11-17. Review status: criteria provided, single submitter. Criteria: Invitae Variant Classification Sherloc (09022015). Collection method: clinical testing. Allele origin: germline.
Comment: This sequence change replaces arginine, which is basic and polar, with glutamine, which is neutral and polar, at codon 343 of the TP63 protein (p.Arg343Gln). This variant is not present in population databases (gnomAD no frequency). This missense change has been observed in individual(s) with Rapp-Hodgkin syndrome and acro-dermo-ungual-lacrimal-tooth (ADULT) syndrome and ectrodactyly, ectodermal dysplasia, and cleft lip/palate (EEC) syndrome (PMID: 10839977, 12525544, 26882220, 27028492). This variant is also known as p.Arg304Gln. ClinVar contains an entry for this variant (Variation ID: 6534). Advanced modeling of protein sequence and biophysical properties (such as structural, functional, and spatial information, amino acid conservation, physicochemical variation, residue mobility, and thermodynamic stability) has been performed at Invitae for this missense variant, however the output from this modeling did not meet the statistical confidence thresholds required to predict the impact of this variant on TP63 protein function. This variant disrupts the p.Arg343 amino acid residue in TP63. Other variant(s) that disrupt this residue have been determined to be pathogenic (PMID: 10535733, 12525544, 19353588, 20180707, 21652629, 23355676, 24734328). This suggests that this residue is clinically significant, and that variants that disrupt this residue are likely to be disease-causing. For these reasons, this variant has been classified as Pathogenic.

Division of Human Genetics, National Health Laboratory Service/University of the Witwatersrand
Classification: Likely pathogenic for TP63-Related Spectrum Disorders. Last evaluated: 2023-07-01. Review status: criteria provided, single submitter. Criteria: ACMG Guidelines, 2015. Collection method: research. Allele origin: germline. Affected: yes.

MGZ Medical Genetics Center
Classification: Likely pathogenic for Ectrodactyly, ectodermal dysplasia, and cleft lip-palate syndrome 3. Last evaluated: 2022-07-18. Review status: criteria provided, single submitter. Criteria: ACMG Guidelines, 2015. Collection method: clinical testing. Allele origin: germline. Affected: yes. Observed: 2 variant alleles.
Comment: ACMG criteria applied: PS3_MOD, PS4_MOD, PM5, PM2_SUP, PP3

GeneDx
Classification: Pathogenic. Last evaluated: 2021-12-08. Review status: criteria provided, single submitter. Criteria: GeneDx Variant Classification Process June 2021. Collection method: clinical testing. Allele origin: germline. Affected: yes.
Comment: Reported previously in the heterozygous state, using alternate nomenclature (R304Q), in association with ectrodactyly-ectodermal dysplasia-clefting (EEC) syndrome (Ianakiev et al., 2000; van Bokhoven et al., 2001; Barrow et al., 2002; Dianzani et al., 2003; de Mollerat et al., 2003); Published functional studies demonstrate that this variant abolishes p63 transcriptional activity at promoters of the KRT14, IRF6, and DSC3 genes, and impairs its intrinsic DNA binding ability (Russo et al., 2018); Not observed in large population cohorts (Lek et al., 2016); Also known as p.R304Q; This variant is associated with the following publications: (PMID: 10839977, 12161593, 14684701, 12525544, 27028492, 29130604, 32224865, 31682841, 17224651, 21652629, 29339502, 11462173, 26882220)

Ambry Genetics
Classification: Pathogenic for Inborn genetic diseases. Last evaluated: 2018-05-02. Review status: criteria provided, single submitter. Criteria: Ambry exome assertion method (8-5-2015). Collection method: clinical testing. Allele origin: germline. Affected: yes. Observed: 2 variant alleles.

Juno Genomics, Hangzhou Juno Genomics, Inc
Classification: Pathogenic for Split hand-foot malformation 4. Review status: criteria provided, single submitter. Criteria: ACMG Guidelines, 2015. Collection method: clinical testing. Allele origin: germline. Affected: yes.
Comment: Absent from controls (or at extremely low frequency if recessive) in Genome Aggregation Database, Exome Sequencing Project, 1000 Genomes Project, or Exome Aggregation Consortium.;De novo (both maternity and paternity confirmed) in a patient with the disease and no family history.;Missense variant in a gene that has a low rate of benign missense variation and where missense variants are a common mechanism of disease.;The prevalence of the variant in affected individuals is significantly increased compared to the prevalence in controls.;Patient's phenotype or family history is highly specific for a disease with a single genetic etiology.;Well-established in vitro or in vivo functional studies supportive of a damaging effect on the gene or gene product.;Novel missense change at an amino acid residue where a different missense change determined to be pathogenic has been seen before.

OMIM
Classification: Pathogenic for ECTRODACTYLY, ECTODERMAL DYSPLASIA, AND CLEFT LIP/PALATE SYNDROME 3. Last evaluated: 2000-07-01. Review status: no assertion criteria provided. Collection method: literature only. Allele origin: germline. Not counted in ClinVar's aggregate classification.

Literature cited by the submitters: PubMed 10839977 (cited by 3 submitters); PubMed 12525544 (cited by Labcorp Genetics (formerly Invitae), Labcorp); PubMed 26882220 (cited by Labcorp Genetics (formerly Invitae), Labcorp and Ambry Genetics); PubMed 27028492 (cited by Labcorp Genetics (formerly Invitae), Labcorp and Ambry Genetics); PubMed 10535733 (cited by Labcorp Genetics (formerly Invitae), Labcorp); PubMed 19353588 (cited by Labcorp Genetics (formerly Invitae), Labcorp); PubMed 20180707 (cited by Labcorp Genetics (formerly Invitae), Labcorp); PubMed 21652629 (cited by Labcorp Genetics (formerly Invitae), Labcorp); PubMed 23355676 (cited by Labcorp Genetics (formerly Invitae), Labcorp); PubMed 24734328 (cited by Labcorp Genetics (formerly Invitae), Labcorp); PubMed 11462173 (cited by Ambry Genetics); PubMed 12445213 (cited by Ambry Genetics); PubMed 12161593 (cited by Ambry Genetics); PubMed 29130604 (cited by Ambry Genetics).

NM_003722.5(TP63):c.1028G>A (p.Arg343Gln)

Gene: TP63 (tumor protein p63; plus strand). Cytogenetic location: 3q28.
Variant type: single nucleotide variant.
Coding change: c.1028G>A on transcript NM_003722.5 (MANE Select); coding-DNA position 1028, G replaced by A.
Protein change: p.Arg343Gln; replaces arginine 343 with glutamine.
Molecular consequence: missense variant.
Genome position (GRCh38, 1-based): chr3:189,868,615, G>A. VCF-style: chr3-189868615-G-A. GRCh37 (hg19) VCF-style: chr3-189586404-G-A.
Other names: R304Q; c.1028G>A, p.Arg343Gln (NM_001114978.2, NM_001114979.2, NM_001329144.2 and 1 more transcripts); c.746G>A, p.Arg249Gln (NM_001114980.2, NM_001114981.2, NM_001114982.2 and 2 more transcripts); c.491G>A, p.Arg164Gln (NM_001329146.2, NM_001329150.2); c.1022G>A, p.Arg341Gln (NM_001329964.2); short protein forms R343Q, R164Q, R249Q, R341Q.
Identifiers: ClinVar variation 6534 (VCV000006534.16), dbSNP rs121908841, ClinGen allele CA118340.